The following is an entry in ClinVar:

NM_015001.3(SPEN):c.10507A>G (p.Lys3503Glu)

Gene: SPEN (spen family transcriptional repressor; plus strand). Cytogenetic location: 1p36.13.
Variant type: single nucleotide variant.
Coding change: c.10507A>G on transcript NM_015001.3 (MANE Select); coding-DNA position 10507, A replaced by G.
Protein change: p.Lys3503Glu; replaces lysine 3503 with glutamic acid.
Molecular consequence: missense variant.
Genome position (GRCh38, 1-based): chr1:15,937,643, A>G. VCF-style: chr1-15937643-A-G. GRCh37 (hg19) VCF-style: chr1-16264138-A-G.
Other names: short protein forms K3503E.
Identifiers: ClinVar variation 3369000 (VCV003369000.1).

ClinVar aggregate classification (germline): Uncertain significance (1 of 4 stars; one submission).

Submission:

GeneDx
Classification: Uncertain significance. Last evaluated: 2024-02-15. Review status: criteria provided, single submitter. Criteria: GeneDx Variant Classification Process June 2021. Collection method: clinical testing. Allele origin: germline. Affected: yes.
Comment: Not observed at significant frequency in large population cohorts (gnomAD); In silico analysis supports that this missense variant does not alter protein structure/function; Has not been previously published as pathogenic or benign to our knowledge